The following is an entry in ClinVar:

NM_022124.6(CDH23):c.3847G>A (p.Val1283Met)

Genes: C10orf105 (chromosome 10 open reading frame 105; minus strand), CDH23 (cadherin related 23; plus strand). Cytogenetic location: 10q22.1.
Variant type: single nucleotide variant.
Coding change: c.3847G>A on transcript NM_022124.6 (MANE Select); coding-DNA position 3847, G replaced by A.
Protein change: p.Val1283Met; replaces valine 1283 with methionine.
Molecular consequence: missense variant. On other transcripts: intron variant (1).
Genome position (GRCh38, 1-based): chr10:71,732,118, G>A. VCF-style: chr10-71732118-G-A. GRCh37 (hg19) VCF-style: chr10-73491875-G-A.
Other names: c.3847G>A, p.Val1283Met (NM_001171930.2); c.-6+5610C>T (NM_001168390.2); short protein forms V1283M.
Identifiers: ClinVar variation 228481 (VCV000228481.46), dbSNP rs758413650, ClinGen allele CA5544855.
Genomic context (GRCh38, chr10:71,732,118, plus strand): 5'-GGGCTTATCATCACCGTGAATTACCTGGACTACGAGACCAAGACCAGCTACATGATGAAT[G>A]TGTCGGCCACTGACCAGGCCCCGCCCTTCAACCAGGGCTTCTGCAGCGTCTACATCACTC-3'
Protein context (NP_071407.4, residues 1273-1293): YETKTSYMMN[Val1283Met]SATDQAPPFN

ClinVar aggregate classification (germline): Uncertain significance. Review status: criteria provided, multiple submitters, no conflicts (2 of 4 stars). 4 submissions from 4 submitters: Uncertain significance (3). 1 of the submissions does not count toward it. Last evaluated 2022-06-14.

Conditions:
Usher syndrome type 1 (USH1). Also called: RETINITIS PIGMENTOSA AND CONGENITAL DEAFNESS. Identifiers: Orphanet 231169, Orphanet 886, MedGen C1568247, MONDO:0010168, OMIM 276900.

Allele frequency attached by ClinVar (database versions not stated): gnomAD exomes 0.00003; ExAC 0.00003.
gnomAD v4.1: 31 of 1,614,012 alleles (0.0019%); highest among the groups gnomAD compares: South Asian, 0.031%; no homozygotes.

Submissions (4):

Labcorp Genetics (formerly Invitae), Labcorp
Classification: Uncertain significance. Last evaluated: 2022-06-14. Review status: criteria provided, single submitter. Criteria: Invitae Variant Classification Sherloc (09022015). Collection method: clinical testing. Allele origin: germline.
Comment: This sequence change replaces valine, which is neutral and non-polar, with methionine, which is neutral and non-polar, at codon 1283 of the CDH23 protein (p.Val1283Met). This variant is present in population databases (rs758413650, gnomAD 0.03%). This variant has not been reported in the literature in individuals affected with CDH23-related conditions. ClinVar contains an entry for this variant (Variation ID: 228481). Algorithms developed to predict the effect of missense changes on protein structure and function are either unavailable or do not agree on the potential impact of this missense change (SIFT: "Deleterious"; PolyPhen-2: "Not Available"; Align-GVGD: "Class C15"). In summary, the available evidence is currently insufficient to determine the role of this variant in disease. Therefore, it has been classified as a Variant of Uncertain Significance.

CeGaT Center for Human Genetics Tuebingen
Classification: Uncertain significance. Last evaluated: 2017-02-01. Review status: criteria provided, single submitter. Criteria: CeGaT Center For Human Genetics Tuebingen Variant Classification Criteria Version 2. Collection method: clinical testing. Allele origin: germline. Affected: yes. Observed: 1 variant allele.

Laboratory for Molecular Medicine, Mass General Brigham Personalized Medicine
Classification: Uncertain significance. Last evaluated: 2014-12-30. Review status: criteria provided, single submitter. Criteria: LMM Criteria. Collection method: clinical testing. Allele origin: germline. Observed: 1 variant allele.
Comment: The p.Val1283Met variant in CDH23 has not been previously reported in individual s with hearing loss. This variant has been identified in 4/16602 of South Asian chromosomes by the Exome Aggregation Consortium (ExAC). Although this variant has been seen in the general population, its freq uency is not high enough to rule out a pathogenic role. Computational predictio n tools and conservation analyses do not provide strong support for or against a n impact to the protein. In summary, the clinical significance of the p.Val1283M et variant is uncertain.

Natera, Inc.
Classification: Uncertain significance for Usher syndrome type 1. Last evaluated: 2020-09-16. Review status: no assertion criteria provided. Collection method: clinical testing. Allele origin: germline. Not counted in ClinVar's aggregate classification.